The following is an entry in ClinVar:

NM_032737.4(LMNB2):c.991G>A (p.Ala331Thr)

Gene: LMNB2 (lamin B2; minus strand). Cytogenetic location: 19p13.3.
Variant type: single nucleotide variant.
Coding change: c.991G>A on transcript NM_032737.4 (MANE Select); coding-DNA position 991, G replaced by A.
Protein change: p.Ala331Thr; replaces alanine 331 with threonine.
Molecular consequence: missense variant.
Genome position (GRCh38, 1-based): chr19:2,434,506, C>T on the plus strand (G>A on the coding strand, the complement: LMNB2 is on the minus strand). VCF-style: chr19-2434506-C-T. GRCh37 (hg19) VCF-style: chr19-2434504-C-T.
Other names: short protein forms A331T.
Identifiers: ClinVar variation 1060254 (VCV001060254.9), dbSNP rs1437865965, ClinGen allele CA403254433.

ClinVar aggregate classification (germline): Uncertain significance (1 of 4 stars; one submission).

Conditions:
Progressive myoclonic epilepsy type 9. Identifiers: Orphanet 457265, MedGen C4225289, MONDO:0014685, OMIM 616540.
Lipodystrophy, partial, acquired, susceptibility to (APLD). Also called: APLD, SUSCEPTIBILITY TO. Identifiers: MedGen C3887501, MONDO:0100476, OMIM 608709.

gnomAD v4.1: 11 of 1,612,422 alleles (0.00068%); highest among the groups gnomAD compares: Non-Finnish European, 0.00085%; no homozygotes.

Submission:

Labcorp Genetics (formerly Invitae), Labcorp
Classification: Uncertain significance for Progressive myoclonic epilepsy type 9; Lipodystrophy, partial, acquired, susceptibility to. Last evaluated: 2021-01-21. Review status: criteria provided, single submitter. Criteria: Invitae Variant Classification Sherloc (09022015). Collection method: clinical testing. Allele origin: germline.
Comment: This sequence change replaces alanine with threonine at codon 331 of the LMNB2 protein (p.Ala331Thr). The alanine residue is highly conserved and there is a small physicochemical difference between alanine and threonine. This variant is not present in population databases (ExAC no frequency). This variant has not been reported in the literature in individuals with LMNB2-related conditions. Algorithms developed to predict the effect of missense changes on protein structure and function are either unavailable or do not agree on the potential impact of this missense change (SIFT: "Deleterious"; PolyPhen-2: "Benign"; Align-GVGD: "Class C0"). In summary, the available evidence is currently insufficient to determine the role of this variant in disease. Therefore, it has been classified as a Variant of Uncertain Significance.